The following is an entry in ClinVar:

NM_001365951.3(KIF1B):c.5260T>G (p.Tyr1754Asp)

Gene: KIF1B (kinesin family member 1B; plus strand). Cytogenetic location: 1p36.22.
Variant type: single nucleotide variant.
Coding change: c.5260T>G on transcript NM_001365951.3 (MANE Select); coding-DNA position 5260, T replaced by G.
Protein change: p.Tyr1754Asp; replaces tyrosine 1754 with aspartic acid.
Molecular consequence: missense variant.
Genome position (GRCh38, 1-based): chr1:10,375,017, T>G. VCF-style: chr1-10375017-T-G. GRCh37 (hg19) VCF-style: chr1-10435075-T-G.
Other names: c.5260T>G, p.Tyr1754Asp (NM_001365952.1); c.5122T>G, p.Tyr1708Asp (NM_015074.3); short protein forms Y1708D, Y1754D.
Identifiers: ClinVar variation 1062967 (VCV001062967.8), dbSNP rs1361142669, ClinGen allele CA338330922.

ClinVar aggregate classification (germline): Uncertain significance. Review status: criteria provided, multiple submitters, no conflicts (2 of 4 stars). 3 submissions from 3 submitters: Uncertain significance (3). Last evaluated 2025-10-19.

Conditions:
Charcot-Marie-Tooth disease type 2A1. Also called: CHARCOT-MARIE-TOOTH DISEASE, AXONAL, TYPE 2A1; CHARCOT-MARIE-TOOTH DISEASE, AXONAL, AUTOSOMAL DOMINANT, TYPE 2A1; CHARCOT-MARIE-TOOTH DISEASE, NEURONAL, TYPE 2A1; CHARCOT-MARIE-TOOTH NEUROPATHY, TYPE 2A1; HEREDITARY MOTOR AND SENSORY NEUROPATHY IIA1. Identifiers: Orphanet 99946, MedGen C1861678, MONDO:0007308, OMIM 118210.
Charcot-Marie-Tooth disease type 2. Also called: Charcot-Marie-Tooth type 2. Identifiers: Orphanet 64746, MedGen C0270914, MONDO:0018993.

Allele frequency attached by ClinVar (database versions not stated): gnomAD exomes 0.00001 and below 0.00001.
gnomAD v4.1: 3 of 1,614,016 alleles (0.00019%); highest among the groups gnomAD compares: Non-Finnish European, 0.00025%; no homozygotes.

Submissions (3):

Labcorp Genetics (formerly Invitae), Labcorp
Classification: Uncertain significance for Charcot-Marie-Tooth disease type 2. Last evaluated: 2025-10-19. Review status: criteria provided, single submitter. Criteria: Invitae Variant Classification Sherloc (09022015). Collection method: clinical testing. Allele origin: germline.
Comment: This sequence change replaces tyrosine, which is neutral and polar, with aspartic acid, which is acidic and polar, at codon 1708 of the KIF1B protein (p.Tyr1708Asp). This variant is present in population databases (no rsID available, gnomAD 0.0009%). This variant has not been reported in the literature in individuals affected with KIF1B-related conditions. ClinVar contains an entry for this variant (Variation ID: 1062967). An algorithm developed to predict the effect of missense changes on protein structure and function (PolyPhen-2) suggests that this variant is likely to be tolerated. In summary, the available evidence is currently insufficient to determine the role of this variant in disease. Therefore, it has been classified as a Variant of Uncertain Significance.

Ambry Genetics
Classification: Uncertain significance. Last evaluated: 2024-04-01. Review status: criteria provided, single submitter. Criteria: Ambry Variant Classification Scheme 2023. Collection method: clinical testing. Allele origin: germline.
Comment: The p.Y1708D variant (also known as c.5122T>G), located in coding exon 44 of the KIF1B gene, results from a T to G substitution at nucleotide position 5122. The tyrosine at codon 1708 is replaced by aspartic acid, an amino acid with highly dissimilar properties. This amino acid position is conserved. In addition, this alteration is predicted to be deleterious by in silico analysis. Since supporting evidence is limited at this time, the clinical significance of this alteration remains unclear.

Kariminejad - Najmabadi Pathology & Genetics Center
Classification: Uncertain significance for Charcot-Marie-Tooth disease type 2A1. Last evaluated: 2023-07-15. Review status: criteria provided, single submitter. Criteria: ACMG Guidelines, 2015. Collection method: clinical testing. Allele origin: germline. Inheritance: Autosomal dominant inheritance. Affected: yes.
Comment: PM2,PP3,PP2(supporting)